The following is an entry in ClinVar:

ClinVar aggregate classification (germline): Likely pathogenic (1 of 4 stars; one submission).

Conditions:
Polycystic kidney disease, adult type (PKD1). Also called: POLYCYSTIC KIDNEY DISEASE 1 WITH OR WITHOUT POLYCYSTIC LIVER DISEASE; POLYCYSTIC KIDNEY DISEASE, ADULT, TYPE I; Polycystic Kidney Disease 1, Autosomal Dominant; Polycystic kidney disease 1; Polycystic kidney disease 1, severe; Polycystic Kidney, Autosomal Dominant. Identifiers: MedGen C3149841, MONDO:0008263, OMIM 173900.

Submission:

Juno Genomics, Hangzhou Juno Genomics, Inc
Classification: Likely pathogenic for Polycystic kidney disease, adult type. Review status: criteria provided, single submitter. Criteria: ACMG Guidelines, 2015. Collection method: clinical testing. Allele origin: germline. Affected: yes.
Comment: Absent from controls (or at extremely low frequency if recessive) in Genome Aggregation Database.;Null variant in a gene where loss of function (LOF) is a known mechanism of disease.

NM_001009944.3(PKD1):c.8161G>T (p.Gly2721Ter)

Gene: PKD1 (polycystin 1, transient receptor potential channel interacting; minus strand). Cytogenetic location: 16p13.3.
Variant type: single nucleotide variant.
Coding change: c.8161G>T on transcript NM_001009944.3 (MANE Select); coding-DNA position 8161, G replaced by T.
Protein change: p.Gly2721Ter; replaces glycine 2721 with a stop codon.
Molecular consequence: nonsense.
Genome position (GRCh38, 1-based): chr16:2,104,498, C>A on the plus strand (G>T on the coding strand, the complement: PKD1 is on the minus strand). VCF-style: chr16-2104498-C-A. GRCh37 (hg19) VCF-style: chr16-2154499-C-A.
Other names: c.8161G>T, p.Gly2721Ter (NM_000296.4); short protein forms G2721*.
Identifiers: ClinVar variation 5019166 (VCV005019166.1).
Genomic context (GRCh38, chr16:2,104,498, plus strand): 5'-GGAGGCAGAGGAAAGGGCCGCACGGGGCGGGCGGGTGGCATGGGGCACGGGCCGCGGCAC[C>A]TGTGATGTTGAGGATGCTGTCTCCGATGGCGGTGGGCGTCACGGTGCCCGCGGTGGTCTC-3'